The following is an entry in ClinVar:

NM_016222.4(DDX41):c.1621+6T>C

Gene: DDX41 (DEAD-box helicase 41; minus strand). Cytogenetic location: 5q35.3.
Variant type: single nucleotide variant.
Coding change: c.1621+6T>C on transcript NM_016222.4 (MANE Select); 6 bases into the intron after coding-DNA position 1621, T replaced by C.
Molecular consequence: intron variant.
Genome position (GRCh38, 1-based): chr5:177,512,316, A>G on the plus strand (T>C on the coding strand, the complement: DDX41 is on the minus strand). VCF-style: chr5-177512316-A-G. GRCh37 (hg19) VCF-style: chr5-176939317-A-G.
Other names: c.1243+6T>C (NM_001321830.2, NM_001321732.2).
Identifiers: ClinVar variation 2993156 (VCV002993156.3), dbSNP rs780474603, ClinGen allele CA3584686.

ClinVar aggregate classification (germline): Uncertain significance (1 of 4 stars; one submission).

Allele frequency attached by ClinVar (database versions not stated): gnomAD exomes below 0.00001; TOPMed below 0.00001; ExAC 0.00001.
gnomAD v4.1: 4 of 1,613,830 alleles (0.00025%); highest among the groups gnomAD compares: Non-Finnish European, 0.00034%; no homozygotes.

Submission:

Labcorp Genetics (formerly Invitae), Labcorp
Classification: Uncertain significance. Last evaluated: 2023-05-27. Review status: criteria provided, single submitter. Criteria: Invitae Variant Classification Sherloc (09022015). Collection method: clinical testing. Allele origin: germline.
Comment: This variant has not been reported in the literature in individuals affected with DDX41-related conditions. This variant is present in population databases (rs780474603, gnomAD 0.002%). This sequence change falls in intron 15 of the DDX41 gene. It does not directly change the encoded amino acid sequence of the DDX41 protein. It affects a nucleotide within the consensus splice site. Variants that disrupt the consensus splice site are a relatively common cause of aberrant splicing (PMID: 17576681, 9536098). Algorithms developed to predict the effect of sequence changes on RNA splicing suggest that this variant is not likely to affect RNA splicing. In summary, the available evidence is currently insufficient to determine the role of this variant in disease. Therefore, it has been classified as a Variant of Uncertain Significance.

Literature cited by the submitters: PubMed 17576681; PubMed 9536098.